The following is an entry in ClinVar:

ClinVar aggregate classification (germline): Uncertain significance. Review status: criteria provided, multiple submitters, no conflicts (2 of 4 stars). 2 submissions from 2 submitters: Uncertain significance (2). Last evaluated 2025-11-26.

Conditions:
Inborn genetic diseases. Identifiers: MedGen C0950123, MeSH D030342.

gnomAD v4.1: 8 of 1,614,112 alleles (0.0005%); highest among the groups gnomAD compares: Admixed American, 0.0083%; no homozygotes.

Submissions (2):

Labcorp Genetics (formerly Invitae), Labcorp
Classification: Uncertain significance. Last evaluated: 2025-11-26. Review status: criteria provided, single submitter. Criteria: Invitae Variant Classification Sherloc (09022015). Collection method: clinical testing. Allele origin: germline.
Comment: This sequence change replaces histidine, which is basic and polar, with arginine, which is basic and polar, at codon 805 of the BNC2 protein (p.His805Arg). This variant is present in population databases (rs774287597, gnomAD 0.01%). This variant has not been reported in the literature in individuals affected with BNC2-related conditions. ClinVar contains an entry for this variant (Variation ID: 3992292). An algorithm developed to predict the effect of missense changes on protein structure and function (PolyPhen-2) suggests that this variant is likely to be tolerated. In summary, the available evidence is currently insufficient to determine the role of this variant in disease. Therefore, it has been classified as a Variant of Uncertain Significance.

Ambry Genetics
Classification: Uncertain significance for Inborn genetic diseases. Last evaluated: 2025-03-19. Review status: criteria provided, single submitter. Criteria: Ambry Variant Classification Scheme 2023. Collection method: clinical testing. Allele origin: germline.

NM_017637.6(BNC2):c.2414A>G (p.His805Arg)

Genes: BNC2 (basonuclin zinc finger protein 2; minus strand), LOC126860585 (MED14-independent group 3 enhancer GRCh37_chr9:16435259-16436458; plus strand). Cytogenetic location: 9p22.3.
Variant type: single nucleotide variant.
Coding change: c.2414A>G on transcript NM_017637.6 (MANE Select); coding-DNA position 2414, A replaced by G.
Protein change: p.His805Arg; replaces histidine 805 with arginine.
Molecular consequence: missense variant.
Genome position (GRCh38, 1-based): chr9:16,435,780, T>C on the plus strand (A>G on the coding strand, the complement: BNC2 is on the minus strand). VCF-style: chr9-16435780-T-C. GRCh37 (hg19) VCF-style: chr9-16435778-T-C.
Other names: c.2288A>G, p.His763Arg (NM_001317939.2); c.2129A>G, p.His710Arg (NM_001317940.2); short protein forms H763R, H710R, H805R.
Identifiers: ClinVar variation 3992292 (VCV003992292.2).